The following is an entry in ClinVar:

ClinVar aggregate classification (germline): Benign (1 of 4 stars; one submission).

Conditions:
POLD1-related polyposis and colorectal cancer syndrome (CRCS10). Also called: Colorectal cancer 10; COLORECTAL CANCER, SUSCEPTIBILITY TO, ON CHROMOSOME 19q; Colorectal cancer, susceptibility to, 10. Identifiers: Orphanet 220460, MedGen C2675481, MONDO:0012953, OMIM 612591.

Submission:

Myriad Genetics, Inc.
Classification: Benign for POLD1-related polyposis and colorectal cancer syndrome. Last evaluated: 2025-02-06. Review status: criteria provided, single submitter. Criteria: Myriad Autosomal Dominant, Autosomal Recessive and X-Linked Classification Criteria (2023). Collection method: clinical testing. Allele origin: unknown.
Comment: This variant is considered benign. This variant is a silent/synonymous amino acid change and it is not expected to impact splicing.

NM_002691.4(POLD1):c.1410C>A (p.Arg470=)

Gene: POLD1 (DNA polymerase delta 1, catalytic subunit; plus strand). Cytogenetic location: 19q13.33.
Variant type: single nucleotide variant.
Coding change: c.1410C>A on transcript NM_002691.4 (MANE Select); coding-DNA position 1410, C replaced by A.
Protein change: p.Arg470=; no amino-acid change (arginine 470 retained).
Molecular consequence: synonymous variant. On other transcripts: non-coding transcript variant (1).
Genome position (GRCh38, 1-based): chr19:50,406,433, C>A. VCF-style: chr19-50406433-C-A. GRCh37 (hg19) VCF-style: chr19-50909690-C-A.
Other names: c.1410C>A, p.Arg470= (NM_001256849.1, NM_001308632.1).
Identifiers: ClinVar variation 3904317 (VCV003904317.1).